The following is an entry in ClinVar:

NM_001040108.2(MLH3):c.139A>G (p.Met47Val)

Gene: MLH3 (mutL homolog 3; minus strand). Cytogenetic location: 14q24.3.
Variant type: single nucleotide variant.
Coding change: c.139A>G on transcript NM_001040108.2 (MANE Select); coding-DNA position 139, A replaced by G.
Protein change: p.Met47Val; replaces methionine 47 with valine.
Molecular consequence: missense variant.
Genome position (GRCh38, 1-based): chr14:75,049,517, T>C on the plus strand (A>G on the coding strand, the complement: MLH3 is on the minus strand). VCF-style: chr14-75049517-T-C. GRCh37 (hg19) VCF-style: chr14-75516220-T-C.
Other names: c.139A>G, p.Met47Val (NM_014381.3); short protein forms M47V.
Identifiers: ClinVar variation 2497077 (VCV002497077.5), dbSNP rs1892522866, ClinGen allele CA390451502.

ClinVar aggregate classification (germline): Uncertain significance. Review status: criteria provided, multiple submitters, no conflicts (2 of 4 stars). 2 submissions from 2 submitters: Uncertain significance (2). Last evaluated 2025-03-28.

Allele frequency attached by ClinVar (database versions not stated): gnomAD exomes below 0.00001; TOPMed below 0.00001; gnomAD 0.00001.

Submissions (2):

Ambry Genetics
Classification: Uncertain significance. Last evaluated: 2025-03-28. Review status: criteria provided, single submitter. Criteria: Ambry Variant Classification Scheme 2023. Collection method: clinical testing. Allele origin: germline.
Comment: The p.M47V variant (also known as c.139A>G), located in coding exon 1 of the MLH3 gene, results from an A to G substitution at nucleotide position 139. The methionine at codon 47 is replaced by valine, an amino acid with highly similar properties. This amino acid position is conserved. In addition, this alteration is predicted to be tolerated by in silico analysis. Since supporting evidence is limited at this time, the clinical significance of this alteration remains unclear.

Center for Genomic Medicine, Rigshospitalet, Copenhagen University Hospital
Classification: Uncertain significance. Last evaluated: 2025-03-04. Review status: criteria provided, single submitter. Criteria: ACMG Guidelines, 2015. Collection method: clinical testing. Allele origin: germline.